The following is an entry in ClinVar:

NM_052867.4(NALCN):c.2643G>T (p.Leu881Phe)

Gene: NALCN (sodium leak channel, non-selective; minus strand). Cytogenetic location: 13q33.1.
Variant type: single nucleotide variant.
Coding change: c.2643G>T on transcript NM_052867.4 (MANE Select); coding-DNA position 2643, G replaced by T.
Protein change: p.Leu881Phe; replaces leucine 881 with phenylalanine.
Molecular consequence: missense variant.
Genome position (GRCh38, 1-based): chr13:101,104,644, C>A on the plus strand (G>T on the coding strand, the complement: NALCN is on the minus strand). VCF-style: chr13-101104644-C-A. GRCh37 (hg19) VCF-style: chr13-101756995-C-A.
Other names: c.2730G>T, p.Leu910Phe (NM_001350748.2); c.2643G>T, p.Leu881Phe (NM_001350749.2); c.2556G>T, p.Leu852Phe (NM_001350750.2, NM_001350751.2); short protein forms L852F, L881F, L910F.
Identifiers: ClinVar variation 3774868 (VCV003774868.1).

ClinVar aggregate classification (germline): Uncertain significance (1 of 4 stars; one submission).

Submission:

GeneDx
Classification: Uncertain significance. Last evaluated: 2024-09-26. Review status: criteria provided, single submitter. Criteria: GeneDx Variant Classification Process June 2021. Collection method: clinical testing. Allele origin: germline. Affected: yes.
Comment: Not observed at significant frequency in large population cohorts (gnomAD); In silico analysis indicates that this missense variant does not alter protein structure/function; Has not been previously published as pathogenic or benign to our knowledge